The following is an entry in ClinVar:

ClinVar aggregate classification (germline): Benign/Likely benign. Review status: criteria provided, multiple submitters, no conflicts (2 of 4 stars). 3 submissions from 3 submitters: Benign (2); Likely benign (1). Last evaluated 2022-07-01.

Allele frequency attached by ClinVar (database versions not stated): ESP Exome Variant Server 0.00615; 1000 Genomes Project 0.00639; 1000 Genomes Project 30x 0.00656; gnomAD exomes 0.00280 and 0.00318; ExAC 0.00327; gnomAD 0.00526 and 0.00543; TOPMed 0.00607.

Submissions (3):

CeGaT Center for Human Genetics Tuebingen
Classification: Likely benign. Last evaluated: 2022-07-01. Review status: criteria provided, single submitter. Criteria: CeGaT Center For Human Genetics Tuebingen Variant Classification Criteria Version 2. Collection method: clinical testing. Allele origin: germline. Affected: yes. Observed: 1 variant allele.
Comment: FLII: BP4

Labcorp Genetics (formerly Invitae), Labcorp
Classification: Benign. Last evaluated: 2019-12-31. Review status: criteria provided, single submitter. Criteria: Invitae Variant Classification Sherloc (09022015). Collection method: clinical testing. Allele origin: germline.

Breakthrough Genomics
Classification: Benign. Review status: criteria provided, single submitter. Criteria: ACMG Guidelines, 2015. Collection method: not provided. Allele origin: germline. Inheritance: Unknown mechanism. Affected: yes.

NM_002018.4(FLII):c.2816+3A>G

Gene: FLII (FLII actin remodeling protein; minus strand). Cytogenetic location: 17p11.2.
Variant type: single nucleotide variant.
Coding change: c.2816+3A>G on transcript NM_002018.4 (MANE Select); 3 bases into the intron after coding-DNA position 2816, A replaced by G.
Molecular consequence: intron variant.
Genome position (GRCh38, 1-based): chr17:18,246,910, T>C on the plus strand (A>G on the coding strand, the complement: FLII is on the minus strand). VCF-style: chr17-18246910-T-C. GRCh37 (hg19) VCF-style: chr17-18150224-T-C.
Other names: c.2783+3A>G (NM_001256264.2); c.2651+3A>G (NM_001256265.2).
Identifiers: ClinVar variation 787446 (VCV000787446.29), dbSNP rs138595489, ClinGen allele CA8427940.